The following is an entry in ClinVar:

NM_000069.3(CACNA1S):c.2698A>G (p.Arg900Gly)

Gene: CACNA1S (calcium voltage-gated channel subunit alpha1 S; minus strand). Cytogenetic location: 1q32.1.
Variant type: single nucleotide variant.
Coding change: c.2698A>G on transcript NM_000069.3 (MANE Select); coding-DNA position 2698, A replaced by G.
Protein change: p.Arg900Gly; replaces arginine 900 with glycine.
Molecular consequence: missense variant.
Genome position (GRCh38, 1-based): chr1:201,066,276, T>C on the plus strand (A>G on the coding strand, the complement: CACNA1S is on the minus strand). VCF-style: chr1-201066276-T-C. GRCh37 (hg19) VCF-style: chr1-201035404-T-C.
Other names: short protein forms R900G.
Identifiers: ClinVar variation 946759 (VCV000946759.11), dbSNP rs1661234855, ClinGen allele CA344102494.

ClinVar aggregate classification (germline): Conflicting classifications of pathogenicity. Review status: criteria provided, conflicting classifications (1 of 4 stars). 2 submissions from 2 submitters: Likely pathogenic (1); Uncertain significance (1). Last evaluated 2025-07-25.

Conditions:
Hypokalemic periodic paralysis, type 1. Also called: HypoPP; Hypokalemic Periodic Paralysis Type 1 (AD). Identifiers: Orphanet 681, MedGen C3714580, MONDO:0042979, OMIM 170400.
Malignant hyperthermia, susceptibility to, 5 (MHS5). Also called: CACNA1S-Related Malignant Hyperthermia Susceptibility. Identifiers: Orphanet 423, MedGen C1866077, MONDO:0011163, OMIM 601887.
CACNA1S-related disorder. Also called: CACNA1S-related condition.

Submissions (2):

PreventionGenetics, part of Exact Sciences
Classification: Likely pathogenic for CACNA1S-related condition. Last evaluated: 2025-07-25. Review status: criteria provided, single submitter. Criteria: ACMG Guidelines, 2015. Collection method: clinical testing. Allele origin: germline.
Comment: The CACNA1S c.2698A>G variant is predicted to result in the amino acid substitution p.Arg900Gly. This variant has been reported in individuals with hypokalemic periodic paralysis and segregated with disease in one family (Hirano et al. 2011. PubMed ID: 21855088; Sasaki et al. 2020. PubMed ID: 32660787). Experimental studies indicate this variant impacts protein function (Wu et al. 2021. PubMed ID: 34463712). This variant has not been reported in a large population database (gnomAD), indicating it is rare. Other missense variants affecting the same amino acid (c.2700G>T, p.Arg900Ser; c.2700G>C, p.Arg900Ser; c.2699G>T, p.Arg900Met) have also been reported in individuals with hypokalemic periodic paralysis (Ke et al. 2015. PubMed ID: 26433613; Yuan et al. 2023. PubMed ID: 36779057; Nuzhnyi et al. 2023. PubMed ID: 37840943). This variant is interpreted as likely pathogenic.

Labcorp Genetics (formerly Invitae), Labcorp
Classification: Uncertain significance for Hypokalemic periodic paralysis, type 1; Malignant hyperthermia, susceptibility to, 5. Last evaluated: 2019-07-24. Review status: criteria provided, single submitter. Criteria: Invitae Variant Classification Sherloc (09022015). Collection method: clinical testing. Allele origin: germline.
Comment: This variant disrupts the p.Arg900 amino acid residue in CACNA1S. Other variant(s) that disrupt this residue have been determined to be pathogenic (PMID: 19118277, 26433613). This suggests that this residue is clinically significant, and that variants that disrupt this residue are likely to be disease-causing. Algorithms developed to predict the effect of missense changes on protein structure and function are either unavailable or do not agree on the potential impact of this missense change (SIFT: "Deleterious"; PolyPhen-2: "Possibly Damaging"; Align-GVGD: "Class C0"). In summary, the available evidence is currently insufficient to determine the role of this variant in disease. Therefore, it has been classified as a Variant of Uncertain Significance. This variant is not present in population databases (ExAC no frequency). This sequence change replaces arginine with glycine at codon 900 of the CACNA1S protein (p.Arg900Gly). The arginine residue is highly conserved and there is a moderate physicochemical difference between arginine and glycine. This variant has been observed to segregate with hypokalemic periodic paralysis in a family (PMID: 21855088).

Literature cited by the submitters: PubMed 19118277 (cited by Labcorp Genetics (formerly Invitae), Labcorp); PubMed 26433613 (cited by Labcorp Genetics (formerly Invitae), Labcorp); PubMed 21855088 (cited by Labcorp Genetics (formerly Invitae), Labcorp).